The following is an entry in ClinVar:

NM_000051.4(ATM):c.614T>A (p.Leu205Ter)

Gene: ATM (ATM serine/threonine kinase; plus strand). Cytogenetic location: 11q22.3.
Variant type: single nucleotide variant.
Coding change: c.614T>A on transcript NM_000051.4 (MANE Select); coding-DNA position 614, T replaced by A.
Protein change: p.Leu205Ter; replaces leucine 205 with a stop codon.
Molecular consequence: nonsense.
Genome position (GRCh38, 1-based): chr11:108,244,070, T>A. VCF-style: chr11-108244070-T-A. GRCh37 (hg19) VCF-style: chr11-108114797-T-A.
Other names: c.614T>A, p.Leu205Ter (NM_001351834.2); short protein forms L205*.
Identifiers: ClinVar variation 3148481 (VCV003148481.1), dbSNP rs2079705608, ClinGen allele CA382528227.

ClinVar aggregate classification (germline): Pathogenic (1 of 4 stars; one submission).

Conditions:
Familial cancer of breast. Also called: BREAST CANCER, FAMILIAL; Hereditary breast cancer; hereditary breast carcinoma. Identifiers: Orphanet 227535, MedGen C0346153, MONDO:0016419, OMIM 114480. Disease mechanism: loss of function.

Submission:

Myriad Genetics, Inc.
Classification: Pathogenic for Familial cancer of breast. Last evaluated: 2024-01-09. Review status: criteria provided, single submitter. Criteria: Myriad Autosomal Dominant, Autosomal Recessive and X-Linked Classification Criteria (2023). Collection method: clinical testing. Allele origin: unknown.
Comment: This variant is considered pathogenic. This variant creates a termination codon and is predicted to result in premature protein truncation.